The following is an entry in ClinVar:

ClinVar aggregate classification (germline): Uncertain significance (1 of 4 stars; one submission).

gnomAD v4.1: 1 of 1,600,722 alleles (0.000062%); highest among the groups gnomAD compares: Admixed American, 0.0018%; no homozygotes.

Submission:

Labcorp Genetics (formerly Invitae), Labcorp
Classification: Uncertain significance. Last evaluated: 2022-07-16. Review status: criteria provided, single submitter. Criteria: Invitae Variant Classification Sherloc (09022015). Collection method: clinical testing. Allele origin: germline.
Comment: This sequence change replaces proline, which is neutral and non-polar, with alanine, which is neutral and non-polar, at codon 513 of the RELA protein (p.Pro513Ala). This variant is not present in population databases (gnomAD no frequency). This variant has not been reported in the literature in individuals affected with RELA-related conditions. ClinVar contains an entry for this variant (Variation ID: 1407660). Algorithms developed to predict the effect of missense changes on protein structure and function are either unavailable or do not agree on the potential impact of this missense change (SIFT: "Tolerated"; PolyPhen-2: "Possibly Damaging"; Align-GVGD: "Class C0"). In summary, the available evidence is currently insufficient to determine the role of this variant in disease. Therefore, it has been classified as a Variant of Uncertain Significance.

NM_021975.4(RELA):c.1537C>G (p.Pro513Ala)

Gene: RELA (RELA proto-oncogene, NF-kB subunit; minus strand). Cytogenetic location: 11q13.1.
Variant type: single nucleotide variant.
Coding change: c.1537C>G on transcript NM_021975.4 (MANE Select); coding-DNA position 1537, C replaced by G.
Protein change: p.Pro513Ala; replaces proline 513 with alanine.
Molecular consequence: missense variant.
Genome position (GRCh38, 1-based): chr11:65,654,497, G>C on the plus strand (C>G on the coding strand, the complement: RELA is on the minus strand). VCF-style: chr11-65654497-G-C. GRCh37 (hg19) VCF-style: chr11-65421968-G-C.
Other names: c.1528C>G, p.Pro510Ala (NM_001145138.2); c.1330C>G, p.Pro444Ala (NM_001243984.2); c.1228C>G, p.Pro410Ala (NM_001243985.2); short protein forms P410A, P510A, P444A, P513A.
Identifiers: ClinVar variation 1407660 (VCV001407660.6), dbSNP rs200767506, ClinGen allele CA381386563.